The following continues an entry in ClinVar:

NM_000492.3(CFTR):c.1521_1523del (p.Phe508del)

ClinVar aggregate classification (germline): Pathogenic. Pathogenic (1).

Submissions 29 to 45 of 104:

Molecular Genetics, Royal Melbourne Hospital
Classification: Pathogenic for Cystic fibrosis. Last evaluated: 2024-08-05. Review status: criteria provided, single submitter. Criteria: ACMG Guidelines, 2015. Collection method: clinical testing. Allele origin: germline. Inheritance: Autosomal recessive inheritance. Not counted in ClinVar's aggregate classification.
Comment: This sequence change is an inframe deletion of 3 bp predicted to cause the deletion of phenylalanine at position 508 of the CFTR protein, p.(Phe508del). The region deleted is highly conserved (100 vertebrates, Multiz Alignments) in a nonrepeat region, and is located in the ABC transporter domain. The highest population minor allele frequency in the population database gnomAD v4.1 is 1.5% (17,610/1,178,514 alleles, 49 homozygotes) in the European (non-Finnish) population. It is the most commonly reported pathogenic variant in CFTR and is assigned a practice guideline pathogenic classification (ClinVar ID: 7105). It has been identified in a homozygous state and compound heterozygous with a second pathogenic allele in cystic fibrosis cases and segregates with disease in multiple families (PMID: 8092189, 1379413, 2570460, 25910067). Additionally, a Cftr Phe508del/Phe508del mouse model lacks CFTR in the apical membrane, was chloride ion-impermeable, and displayed several abnormalities found in the human disease (PMID: 7560099). Based on the classification scheme RMH ACMG Guidelines v1.7.0, this variant is classified as PATHOGENIC. Following criteria are met: PM3_VeryStrong, PP1_Strong, PS3_Moderate, PM4_Supporting, BS1.

Fulgent Genetics
Classification: Pathogenic for Hereditary pancreatitis; Bronchiectasis with or without elevated sweat chloride 1; Cystic fibrosis; Congenital bilateral aplasia of vas deferens from CFTR mutation. Last evaluated: 2024-06-10. Review status: criteria provided, single submitter. Criteria: ACMG Guidelines, 2015. Collection method: clinical testing. Allele origin: germline. Not counted in ClinVar's aggregate classification.

Baylor Genetics
Classification: Pathogenic for Bronchiectasis with or without elevated sweat chloride 1. Last evaluated: 2024-03-30. Review status: criteria provided, single submitter. Criteria: ACMG Guidelines, 2015. Collection method: clinical testing. Allele origin: unknown. Not counted in ClinVar's aggregate classification.

Genomic Medicine Center of Excellence, King Faisal Specialist Hospital and Research Centre
Classification: Pathogenic for Cystic fibrosis. Last evaluated: 2024-03-25. Review status: criteria provided, single submitter. Criteria: ACMG Guidelines, 2015. Collection method: research. Allele origin: germline. Not counted in ClinVar's aggregate classification.

Quest Diagnostics Nichols Institute San Juan Capistrano
Classification: Pathogenic. Last evaluated: 2024-02-21. Review status: criteria provided, single submitter. Criteria: Quest Diagnostics criteria. Collection method: clinical testing. Allele origin: unknown. Not counted in ClinVar's aggregate classification.
Comment: The CFTR c.1521_1523del (p.Phe508del) variant (also known as F508del and Delta F508) is the most common cystic fibrosis (CF) pathogenic variant that accounts for approximately 70% of alleles in affected patients (PMIDs: 23974870 (2013), 23857699 (2013), 8886242 (1996), 38003474 (2023)). It causes a severe phenotype due to deleterious effects on CFTR protein maturation and function (PMIDs: 23974870 (2013), 25148434 (2014), 26581802 (2016)). This variant, being so common in European CF cohorts, has a general population frequency of 0.016 (807/50740 chromosomes (Genome Aggregation Database)). Based on the available information, this variant is classified as pathogenic.

Institute of Human Genetics, University of Leipzig Medical Center
Classification: Pathogenic for Bronchiectasis with or without elevated sweat chloride 1. Last evaluated: 2024-02-15. Review status: criteria provided, single submitter. Criteria: ACMG Guidelines, 2015. Collection method: clinical testing. Allele origin: unknown. Inheritance: Autosomal dominant inheritance. Affected: yes. Not counted in ClinVar's aggregate classification.

Laboratory of Medical Genetics, National & Kapodistrian University of Athens
Classification: Likely pathogenic for Cystic fibrosis. Last evaluated: 2024-02-01. Review status: criteria provided, single submitter. Criteria: ACMG Guidelines, 2015. Collection method: curation. Allele origin: germline. Affected: no. Not counted in ClinVar's aggregate classification.

Pittsburgh Clinical Genomics Laboratory, University of Pittsburgh Medical Center
Classification: Pathogenic for Cystic fibrosis. Last evaluated: 2024-01-24. Review status: criteria provided, single submitter. Criteria: ACMG Guidelines, 2015. Collection method: clinical testing. Allele origin: germline. Inheritance: Autosomal recessive inheritance. Affected: yes. Not counted in ClinVar's aggregate classification.
Comment: This sequence variant is an in-frame deletion of 3 nucleotides spanning positions 1521 through 1523 of the coding sequence of the CFTR gene that removes Phe508 of the CF transmembrane conductance regulator protein. This is a previously reported (ClinVar 7105), well characterized variant (PMID: 15371902) that is the most common cystic fibrosis-associated variant in the general population (PMID: 23974870). The variant is also known as deltaF508 and similar identifiers in the literature and public databases. This variant is present in 2976 of 403344 alleles (0.7378%) in the gnomAD population dataset. Experimental evidence shows that function of the variant protein is significantly inhibited (PMID: 2475911). Based upon the evidence, we consider this variant to be pathogenic. ACMG Criteria: PM4, PS3, PS4

Clinical Genetics Laboratory, Skane University Hospital Lund
Classification: Pathogenic. Last evaluated: 2024-01-11. Review status: criteria provided, single submitter. Criteria: ACMG Guidelines, 2015. Collection method: clinical testing. Allele origin: germline. Affected: yes. Not counted in ClinVar's aggregate classification.

Baylor Genetics
Classification: Pathogenic for Cystic fibrosis. Last evaluated: 2024-01-07. Review status: criteria provided, single submitter. Criteria: ACMG Guidelines, 2015. Collection method: clinical testing. Allele origin: unknown. Not counted in ClinVar's aggregate classification.

Department of Human Genetics, Hannover Medical School
Classification: Pathogenic for Cystic fibrosis. Last evaluated: 2023-11-07. Review status: criteria provided, single submitter. Criteria: ACMG Guidelines, 2015. Collection method: clinical testing. Allele origin: germline. Affected: yes. Not counted in ClinVar's aggregate classification.

Molecular Genetics and NGS Laboratory, Hospital Fundacion Valle Del Lili
Classification: Pathogenic for Bronchiectasis with or without elevated sweat chloride 1; Hereditary pancreatitis; Congenital bilateral aplasia of vas deferens from CFTR mutation; Cystic fibrosis. Last evaluated: 2023-11-07. Review status: criteria provided, single submitter. Criteria: ACMG Guidelines, 2015. Collection method: clinical testing. Allele origin: germline. Affected: yes. Observed: 1 variant allele. Not counted in ClinVar's aggregate classification.

Institute of Medical Genetics and Genomics, Sir Ganga Ram Hospital
Classification: Pathogenic for Cystic fibrosis. Last evaluated: 2023-11-06. Review status: criteria provided, single submitter. Criteria: ACMG Guidelines, 2015. Collection method: clinical testing. Allele origin: germline. Inheritance: Autosomal recessive inheritance. Affected: yes. Observed: 1 heterozygote. Not counted in ClinVar's aggregate classification.
Comment: This is the most common CFTR pathogenic variant. The c.1521_1523delCTT variant results in an in-frame deletion of a single Phenylalanine residue at codon 508.

Neuberg Centre For Genomic Medicine, NCGM
Classification: Pathogenic for Cystic fibrosis. Last evaluated: 2023-06-22. Review status: criteria provided, single submitter. Criteria: ACMG Guidelines, 2015. Collection method: clinical testing. Allele origin: germline. Inheritance: Autosomal recessive inheritance. Affected: yes. Not counted in ClinVar's aggregate classification.
Comment: The observed inframe deletion c.1521_1523del p.Phe508del variant in the CFTR gene has been reported previously in multiple individuals in homozygous/ compound heterozygous state affected with Cystic fibrosis. Experimental studies have shown that this variant affects CFTR function Sosnay et al., 2013; Terlizzi et al., 2021. The p.Phe508del variant is the most frequent deletion that occurs in ~85% of Cystic fibrosis patients worldwide and is described to affect CFTR class II protein processing. The p.Phe508del variant is reported with an allele frequency of 0.7% in the gnomAD exomes database and is novel not in any individuals in the 1000 Genomes database. This variant has been reported to the ClinVar database as Pathogenic multiple submissions. This p.Phe508del causes the deletion of the amino acid Phenylalanine at position 508. For these reasons, this variant has been classified as Pathogenic.

Neuberg Centre For Genomic Medicine, NCGM
Classification: Pathogenic for Hereditary pancreatitis. Last evaluated: 2023-03-01. Review status: criteria provided, single submitter. Criteria: ACMG Guidelines, 2015. Collection method: clinical testing. Allele origin: germline. Inheritance: Autosomal dominant inheritance. Affected: yes. Not counted in ClinVar's aggregate classification.
Comment: The inframe deletion c.1521_1523del (p.Phe508del) variant in the CFTR gene has been reported previously in multiple individuals in homozygous/compound heterozygous state affected with Cystic fibrosis related disorders (Sosnay et al., 2013; Terlizzi et al., 2021). The p.Phe508del variant is the most frequent deletion that occurs in ~85% of Cystic fibrosis patients worldwide and is described to affect CFTR (class II) protein processing (Awatade et al. 2019). Experimental studies have shown that this variant affects CFTR function (Zeiher et al. 1995). The p.Phe508del variant is reported with an allele frequency of 0.7% in the gnomAD exomes database and is novel (not in any individuals) in the 1000 Genomes database. This variant has been reported to the ClinVar database as Pathogenic (multiple submissions). This p.Phe508del causes the deletion of the amino acid Phenylalanine at position 508. For these reasons, this variant has been classified as Pathogenic.

Human Genetics Bochum, Ruhr University Bochum
Classification: Pathogenic for Hereditary pancreatitis. Last evaluated: 2023-02-28. Review status: criteria provided, single submitter. Criteria: ACMG Guidelines, 2015. Collection method: clinical testing. Allele origin: germline. Affected: yes. Not counted in ClinVar's aggregate classification.
Comment: ACMG criteria used to clasify this variant:PS4, PM3_STR, PM4, PS3_SUP, PP1

Institute of Medical Genetics and Applied Genomics, University Hospital Tübingen
Classification: Pathogenic for Cystic fibrosis. Last evaluated: 2022-12-08. Review status: criteria provided, single submitter. Criteria: ACMG Guidelines, 2015. Collection method: clinical testing. Allele origin: germline. Inheritance: Autosomal recessive inheritance. Affected: yes. Not counted in ClinVar's aggregate classification.